The following is an entry in ClinVar:

ClinVar aggregate classification (germline): Conflicting classifications of pathogenicity. Review status: criteria provided, conflicting classifications (1 of 4 stars). 11 submissions from 7 submitters: Uncertain significance (6); Benign (2); Likely benign (3). Last evaluated 2025-10-08.

Conditions:
Cardiovascular phenotype. Identifiers: MedGen CN230736.
Autosomal recessive limb-girdle muscular dystrophy type 2J (LGMDR10). Also called: MUSCULAR DYSTROPHY, LIMB-GIRDLE, AUTOSOMAL RECESSIVE 10; Limb-girdle muscular dystrophy, type 2J. Identifiers: Orphanet 140922, MedGen C1837342, MONDO:0012127, OMIM 608807.
Dilated cardiomyopathy 1G (CMD1G). Identifiers: Orphanet 154, MedGen C1858763, MONDO:0011400, OMIM 604145.
Early-onset myopathy with fatal cardiomyopathy (CMYO5). Also called: CONGENITAL MYOPATHY 5 WITH CARDIOMYOPATHY; Salih Myopathy. Identifiers: Orphanet 289377, MedGen C2673677, MONDO:0012714, OMIM 611705. Disease mechanism: loss of function.
Myopathy, myofibrillar, 9, with early respiratory failure (MFM9). Also called: Myopathy, distal, with early respiratory failure, autosomal dominant; EDSTROM MYOPATHY; MYOPATHY, PROXIMAL, WITH EARLY RESPIRATORY MUSCLE INVOLVEMENT; Hereditary myopathy with early respiratory failure. Identifiers: Orphanet 178464, Orphanet 34521, MedGen C1863599, MONDO:0011362, OMIM 603689.
Tibial muscular dystrophy (TMD). Also called: Tibial muscular dystrophy, tardive; Udd Distal Myopathy – Tibial Muscular Dystrophy; UDD MYOPATHY. Identifiers: Orphanet 609, MedGen C1838244, MONDO:0010870, OMIM 600334.

Allele frequency attached by ClinVar (database versions not stated): gnomAD 0.00003 and 0.00004; gnomAD exomes 0.00005 and 0.00006; ExAC 0.00006; TOPMed 0.00006.
gnomAD v4.1: 96 of 1,612,710 alleles (0.006%); highest among the groups gnomAD compares: East Asian, 0.16%; no homozygotes.

Submissions (11):

Women's Health and Genetics/Laboratory Corporation of America, LabCorp
Classification: Uncertain significance. Last evaluated: 2025-10-08. Review status: criteria provided, single submitter. Criteria: LabCorp Variant Classification Summary - May 2015. Collection method: clinical testing. Allele origin: germline.
Comment: Variant summary: TTN NM_133378 c.40274C>A (p.Thr13425Asn), also known as NM_001267550 c.47978C>A p.Thr15993Asn, results in a non-conservative amino acid change located in the A band region of the encoded protein sequence. Algorithms developed to predict the effect of missense changes on protein structure and function are either unavailable or do not agree on the potential impact of this missense change. The variant allele was found at a frequency of 4.8e-05 in 247470 control chromosomes. This frequency is not significantly higher than estimated for disease-causing variants in TTN, allowing no conclusion about variant significance. c.40274C>A has been reported in the literature in an individual affected with Neurally mediated syncope, however authors classified the variant as VUS (example: Lee_2022). These report(s) do not provide unequivocal conclusions about association of the variant with Dilated Cardiomyopathy and other TTN-related conditions. To our knowledge, no experimental evidence demonstrating an impact on protein function has been reported. The following publication has been ascertained in the context of this evaluation (PMID: 36005429). ClinVar contains an entry for this variant (Variation ID: 166024). Based on the evidence outlined above, the variant was classified as uncertain significance.

Revvity Omics, Revvity
Classification: Likely benign. Last evaluated: 2023-12-22. Review status: criteria provided, single submitter. Criteria: ACMG Guidelines, 2015. Collection method: clinical testing. Allele origin: germline.

Ambry Genetics
Classification: Likely benign for Cardiovascular phenotype. Last evaluated: 2020-09-17. Review status: criteria provided, single submitter. Criteria: Ambry Variant Classification Scheme 2023. Collection method: clinical testing. Allele origin: germline.

Laboratory for Molecular Medicine, Mass General Brigham Personalized Medicine
Classification: Likely benign. Last evaluated: 2018-10-24. Review status: criteria provided, single submitter. Criteria: LMM Criteria. Collection method: clinical testing. Allele origin: germline. Observed: 4 variant alleles.
Comment: The p.Thr13425Asn variant in TTN is classified as likely benign because it has b een identified in 0.03% (5/17848) of East Asian chromosomes by gnomAD. Additionally, computational prediction tools and conse rvation analysis suggest that this variant may not impact the protein ACMG/AMP C riteria applied: BS1, BP4.

Illumina Laboratory Services, Illumina
Classification: Uncertain significance for Early-onset myopathy with fatal cardiomyopathy. Last evaluated: 2018-01-13. Review status: criteria provided, single submitter. Criteria: ICSL Variant Classification Criteria 13 December 2019. Collection method: clinical testing. Allele origin: germline.

Illumina Laboratory Services, Illumina
Classification: Benign for Tibial muscular dystrophy. Last evaluated: 2018-01-13. Review status: criteria provided, single submitter. Criteria: ICSL Variant Classification Criteria 13 December 2019. Collection method: clinical testing. Allele origin: germline.
Comment: This variant was observed in the ICSL laboratory as part of a predisposition screen in an ostensibly healthy population. It had not been previously curated by ICSL or reported in the Human Gene Mutation Database (HGMD: prior to June 1st, 2018), and was therefore a candidate for classification through an automated scoring system. Utilizing variant allele frequency, disease prevalence and penetrance estimates, and inheritance mode, an automated score was calculated to assess if this variant is too frequent to cause the disease. Based on the score and internal cut-off values, a variant classified as benign is not then subjected to further curation. The score for this variant resulted in a classification of benign for this disease.

Illumina Laboratory Services, Illumina
Classification: Uncertain significance for Autosomal recessive limb-girdle muscular dystrophy type 2J. Last evaluated: 2018-01-13. Review status: criteria provided, single submitter. Criteria: ICSL Variant Classification Criteria 13 December 2019. Collection method: clinical testing. Allele origin: germline.

Illumina Laboratory Services, Illumina
Classification: Uncertain significance for Dilated cardiomyopathy 1G. Last evaluated: 2018-01-13. Review status: criteria provided, single submitter. Criteria: ICSL Variant Classification Criteria 13 December 2019. Collection method: clinical testing. Allele origin: germline.

Illumina Laboratory Services, Illumina
Classification: Benign for Myopathy, myofibrillar, 9, with early respiratory failure. Last evaluated: 2018-01-13. Review status: criteria provided, single submitter. Criteria: ICSL Variant Classification Criteria 13 December 2019. Collection method: clinical testing. Allele origin: germline.
Comment: the same text as in the submission from Illumina Laboratory Services, Illumina above.

Labcorp Genetics (formerly Invitae), Labcorp
Classification: Uncertain significance for Dilated cardiomyopathy 1G; Autosomal recessive limb-girdle muscular dystrophy type 2J. Last evaluated: 2017-09-01. Review status: criteria provided, single submitter. Criteria: Invitae Variant Classification Sherloc (09022015). Collection method: clinical testing. Allele origin: germline.

GeneDx
Classification: Uncertain significance. Last evaluated: 2015-04-20. Review status: criteria provided, single submitter. Criteria: GeneDx Variant Classification (06012015). Collection method: clinical testing. Allele origin: germline. Affected: yes.
Comment: Missense variants in the TTN gene are considered 'unclassified' if they are not previously reported in the literature and do not have >1% frequency in the population to be considered a polymorphism. Research indicates that truncating mutations in the TTN gene are expected to account for approximately 25% of familial and 18% of sporadic idiopathic DCM; however, truncating variants in the TTN gene have been reported in approximately 3% of reported control alleles. There has been little investigation into non-truncating variants. (Herman D et al. Truncations of titin causing dilated cardiomyopathy. N Eng J Med 366:619-628, 2012) The variant is found in DCM panel(s).

Literature cited by the submitters: PubMed 36005429 (cited by Women's Health and Genetics/Laboratory Corporation of America, LabCorp).

NM_001267550.2(TTN):c.47978C>A (p.Thr15993Asn)

Genes: TTN (titin; minus strand), TTN-AS1 (TTN antisense RNA 1; plus strand). Cytogenetic location: 2q31.2.
Variant type: single nucleotide variant.
Coding change: c.47978C>A on transcript NM_001267550.2 (MANE Select); coding-DNA position 47978, C replaced by A.
Protein change: p.Thr15993Asn; replaces threonine 15993 with asparagine.
Molecular consequence: missense variant.
Genome position (GRCh38, 1-based): chr2:178,616,911, G>T on the plus strand (C>A on the coding strand, the complement: TTN is on the minus strand). VCF-style: chr2-178616911-G-T. GRCh37 (hg19) VCF-style: chr2-179481638-G-T.
Other names: p.T14352N:ACT>AAT; c.20783C>A, p.Thr6928Asn (NM_003319.4); c.21158C>A, p.Thr7053Asn (NM_133432.3); c.21359C>A, p.Thr7120Asn (NM_133437.4); c.43055C>A, p.Thr14352Asn (NM_001256850.1); c.40274C>A, p.Thr13425Asn (NM_133378.4); short protein forms T13425N, T15993N, T14352N, T6928N, T7120N, T7053N.
Identifiers: ClinVar variation 166024 (VCV000166024.26), dbSNP rs727503622, ClinGen allele CA178829.